The following is an entry in ClinVar:

NM_001008216.2(GALE):c.101A>G (p.Asn34Ser)

Gene: GALE (UDP-galactose-4-epimerase; minus strand). Cytogenetic location: 1p36.11.
Variant type: single nucleotide variant.
Coding change: c.101A>G on transcript NM_001008216.2 (MANE Select); coding-DNA position 101, A replaced by G.
Protein change: p.Asn34Ser; replaces asparagine 34 with serine.
Molecular consequence: missense variant.
Genome position (GRCh38, 1-based): chr1:23,798,907, T>C on the plus strand (A>G on the coding strand, the complement: GALE is on the minus strand). VCF-style: chr1-23798907-T-C. GRCh37 (hg19) VCF-style: chr1-24125397-T-C.
Other names: c.101A>G, p.Asn34Ser (NM_000403.4, NM_001127621.2); short protein forms N34S.
Identifiers: ClinVar variation 3676 (VCV000003676.19), dbSNP rs121908046, ClinGen allele CA340112.

ClinVar aggregate classification (germline): Conflicting classifications of pathogenicity. Review status: criteria provided, conflicting classifications (1 of 4 stars). 6 submissions from 6 submitters: Pathogenic (2); Likely pathogenic (1); Uncertain significance (2). 1 of the submissions does not count toward it. Last evaluated 2026-02-23.

Conditions:
Thrombocytopenia 13, syndromic. Also called: THROMBOCYTOPENIA, AUTOSOMAL RECESSIVE, 13. Identifiers: MedGen C5935599, MONDO:0958333, OMIM 620776.
UDPglucose-4-epimerase deficiency. Also called: GALACTOSEMIA III; GALE DEFICIENCY; Epimerase Deficiency Galactosemia; UDPglucose 4-Epimerase Deficiency Disease; UDP-GALACTOSE-4-EPIMERASE DEFICIENCY; Galactose epimerase deficiency. Identifiers: Orphanet 352, Orphanet 79238, MedGen C0751161, MONDO:0009257, OMIM 230350.

Allele frequency attached by ClinVar (database versions not stated): TOPMed 0.00001; gnomAD exomes 0.00002; gnomAD 0.00001.
gnomAD v4.1: 34 of 1,614,050 alleles (0.0021%); highest among the groups gnomAD compares: Non-Finnish European, 0.0027%; no homozygotes.

Submissions (6):

Women's Health and Genetics/Laboratory Corporation of America, LabCorp
Classification: Uncertain significance. Last evaluated: 2026-02-23. Review status: criteria provided, single submitter. Criteria: LabCorp Variant Classification Summary - May 2015. Collection method: clinical testing. Allele origin: germline.
Comment: Variant summary: GALE c.101A>G (p.Asn34Ser) results in a conservative amino acid change located in the NAD(P)-binding domain (IPR016040) of the encoded protein sequence. Algorithms developed to predict the effect of missense changes on protein structure and function are either unavailable or do not agree on the potential impact of this missense change. The variant allele was found at a frequency of 2e-05 in 251468 control chromosomes. c.101A>G has been reported in the literature in a compound heterozygous individual affected with UDPglucose-4-Epimerase Deficiency (Quimby_1997). Experimental evidence evaluating an impact on protein function demonstrated the variant exhibits a mildly-reduced enzyme activity (65-70% compared to wild-type), has similar kinetics to wild-type and is able to largely rescue the galactose-sensitivity of otherwise GALE-deficient yeast (Quimby_1997, Timson_2005, McCorvie_2011). Nevertheless, p.N34S shows increased susceptibility to digestion in proteolysis experiments and results in an unstable protein at physiological temperature, ultimately leading to local changes in structure and flexibility of the protein (Timson_2005, Prey_2014). The following publications have been ascertained in the context of this evaluation (PMID: 21703329, 25150110, 9326324, 16302980). ClinVar contains an entry for this variant (Variation ID: 3676). Based on the evidence outlined above, the variant was classified as VUS-possibly pathogenic.

GeneDx
Classification: Uncertain significance. Last evaluated: 2024-08-16. Review status: criteria provided, single submitter. Criteria: GeneDx Variant Classification Process June 2021. Collection method: clinical testing. Allele origin: germline. Affected: yes.
Comment: In silico analysis supports that this missense variant has a deleterious effect on protein structure/function; This variant is associated with the following publications: (PMID: 31589614, 16302980, 25150110, 16301867, 21703329, 9973283, 23644136, 9700591, 9326324, 11903335, 16611573, 26143117, 19250319, 36846897)

Fulgent Genetics
Classification: Likely pathogenic for UDPglucose-4-epimerase deficiency; Thrombocytopenia 13, syndromic. Last evaluated: 2024-05-28. Review status: criteria provided, single submitter. Criteria: ACMG Guidelines, 2015. Collection method: clinical testing. Allele origin: germline.

Centre for Mendelian Genomics, University Medical Centre Ljubljana
Classification: Pathogenic for UDPglucose-4-epimerase deficiency. Last evaluated: 2016-01-01. Review status: criteria provided, single submitter. Criteria: ACMG Guidelines, 2015. Collection method: clinical testing. Allele origin: unknown. Affected: yes.
Comment: This variant was classified as: Pathogenic. The following ACMG criteria were applied in classifying this variant: PS3,PM2,PM3,PP3,PP5.

Eurofins Ntd Llc (ga)
Classification: Pathogenic. Last evaluated: 2014-04-30. Review status: criteria provided, single submitter. Criteria: EGL Classification Definitions 2015. Collection method: clinical testing. Allele origin: germline. Observed: 1 variant allele, 1 heterozygote.

OMIM
Classification: Pathogenic for GALACTOSEMIA III. Last evaluated: 1997-09-01. Review status: no assertion criteria provided. Collection method: literature only. Allele origin: germline. Not counted in ClinVar's aggregate classification.

Literature cited by the submitters: PubMed 21703329 (cited by Women's Health and Genetics/Laboratory Corporation of America, LabCorp); PubMed 25150110 (cited by Women's Health and Genetics/Laboratory Corporation of America, LabCorp); PubMed 9326324 (cited by Women's Health and Genetics/Laboratory Corporation of America, LabCorp and OMIM); PubMed 16302980 (cited by Women's Health and Genetics/Laboratory Corporation of America, LabCorp).